The following is an entry in ClinVar:

ClinVar aggregate classification (germline): Uncertain significance (1 of 4 stars; one submission).

Conditions:
Complement component 3 deficiency. Identifiers: Orphanet 280133, MedGen C3151071, MONDO:0013417, OMIM 613779.
Atypical hemolytic-uremic syndrome with C3 anomaly. Also called: AHUS, SUSCEPTIBILITY TO, 5. Identifiers: Orphanet 2134, MedGen C2752037, MONDO:0013043, OMIM 612925.
C3 glomerulonephritis. Also called: Nephropathy due to CFHR5 Deficiency; C3 GLOMERULOPATHY 3. Identifiers: Orphanet 329931, MedGen C4055342, MONDO:0013892, OMIM 614809.

Allele frequency attached by ClinVar (database versions not stated): gnomAD 0.00001; TOPMed 0.00002.

Submission:

Labcorp Genetics (formerly Invitae), Labcorp
Classification: Uncertain significance. Last evaluated: 2022-09-28. Review status: criteria provided, single submitter. Criteria: Invitae Variant Classification Sherloc (09022015). Collection method: clinical testing. Allele origin: germline.
Comment: Advanced modeling of protein sequence and biophysical properties (such as structural, functional, and spatial information, amino acid conservation, physicochemical variation, residue mobility, and thermodynamic stability) performed at Invitae indicates that this missense variant is expected to disrupt C3 protein function. In summary, the available evidence is currently insufficient to determine the role of this variant in disease. Therefore, it has been classified as a Variant of Uncertain Significance. This variant has not been reported in the literature in individuals affected with C3-related conditions. The frequency data for this variant in the population databases is considered unreliable, as metrics indicate poor data quality at this position in the gnomAD database. This sequence change replaces proline, which is neutral and non-polar, with leucine, which is neutral and non-polar, at codon 972 of the C3 protein (p.Pro972Leu).

NM_000064.4(C3):c.2915C>T (p.Pro972Leu)

Gene: C3 (complement C3; minus strand). Cytogenetic location: 19p13.3.
Variant type: single nucleotide variant.
Coding change: c.2915C>T on transcript NM_000064.4 (MANE Select); coding-DNA position 2915, C replaced by T.
Protein change: p.Pro972Leu; replaces proline 972 with leucine.
Molecular consequence: missense variant.
Genome position (GRCh38, 1-based): chr19:6,696,414, G>A on the plus strand (C>T on the coding strand, the complement: C3 is on the minus strand). VCF-style: chr19-6696414-G-A. GRCh37 (hg19) VCF-style: chr19-6696425-G-A.
Other names: c.2915C>T (NM_000064.3); short protein forms P972L.
Identifiers: ClinVar variation 2083112 (VCV002083112.5), dbSNP rs1005448857, ClinGen allele CA304785059.